The following is an entry in ClinVar:

ClinVar aggregate classification (germline): Uncertain significance (1 of 4 stars; one submission).

Allele frequency attached by ClinVar (database versions not stated): gnomAD 0.00003; TOPMed 0.00003; ExAC 0.00004; ESP Exome Variant Server 0.00008.
gnomAD v4.1: 43 of 1,611,150 alleles (0.0027%); highest among the groups gnomAD compares: African/African-American, 0.004%; no homozygotes.

Submission:

Labcorp Genetics (formerly Invitae), Labcorp
Classification: Uncertain significance. Last evaluated: 2022-01-05. Review status: criteria provided, single submitter. Criteria: Invitae Variant Classification Sherloc (09022015). Collection method: clinical testing. Allele origin: germline.
Comment: This variant is present in population databases (rs371063685, gnomAD 0.004%). This sequence change replaces glutamic acid, which is acidic and polar, with lysine, which is basic and polar, at codon 1531 of the DSCAML1 protein (p.Glu1531Lys). This variant has not been reported in the literature in individuals affected with DSCAML1-related conditions. Algorithms developed to predict the effect of missense changes on protein structure and function are either unavailable or do not agree on the potential impact of this missense change (SIFT: "Tolerated"; PolyPhen-2: "Probably Damaging"; Align-GVGD: "Class C0"). In summary, the available evidence is currently insufficient to determine the role of this variant in disease. Therefore, it has been classified as a Variant of Uncertain Significance.

NM_020693.4(DSCAML1):c.4411G>A (p.Glu1471Lys)

Gene: DSCAML1 (DS cell adhesion molecule like 1; minus strand). Cytogenetic location: 11q23.3.
Variant type: single nucleotide variant.
Coding change: c.4411G>A on transcript NM_020693.4 (MANE Select); coding-DNA position 4411, G replaced by A.
Protein change: p.Glu1471Lys; replaces glutamic acid 1471 with lysine.
Molecular consequence: missense variant.
Genome position (GRCh38, 1-based): chr11:117,437,916, C>T on the plus strand (G>A on the coding strand, the complement: DSCAML1 is on the minus strand). VCF-style: chr11-117437916-C-T. GRCh37 (hg19) VCF-style: chr11-117308632-C-T.
Other names: short protein forms E1471K.
Identifiers: ClinVar variation 1978366 (VCV001978366.4), dbSNP rs371063685, ClinGen allele CA6296391.
Genomic context (GRCh38, chr11:117,437,916, plus strand): 5'-CCCATCGCTCCTTCCCTGCCCCAGTGGCCTGGGCCTCACCCCGCCCGTGGGTCTTGGCCT[C>T]GATGATCTCGCTGATGCGCCCAGAGCCCACGCTGTTCTTGGCTGCCAGCTTCACCTTGTA-3'
Protein context (NP_065744.3, residues 1461-1481): VGSGRISEII[Glu1471Lys]AKTHGREPSF